The following is an entry in ClinVar:

ClinVar aggregate classification (germline): Uncertain significance. Review status: criteria provided, multiple submitters, no conflicts (2 of 4 stars). 2 submissions from 2 submitters: Uncertain significance (2). Last evaluated 2025-10-08.

Conditions:
Cardiovascular phenotype. Identifiers: MedGen CN230736.

Submissions (2):

Ambry Genetics
Classification: Uncertain significance for Cardiovascular phenotype. Last evaluated: 2025-10-08. Review status: criteria provided, single submitter. Criteria: Ambry Variant Classification Scheme 2023. Collection method: clinical testing. Allele origin: germline.
Comment: The c.305_307delTCC variant (also known as p.L102del) is located in coding exon 2 of the RAF1 gene. This variant results from an in-frame TCC deletion at nucleotide positions 305 to 307. This results in the in-frame deletion of a leucine at codon 102. This amino acid position is not well conserved in available vertebrate species. In addition, this alteration is predicted to be neutral by in silico analysis (Choi Y et al. PLoS ONE. 2012; 7(10):e46688). Since supporting evidence is limited at this time, the clinical significance of this alteration remains unclear.

Blueprint Genetics
Classification: Uncertain significance. Last evaluated: 2022-10-03. Review status: criteria provided, single submitter. Criteria: ACMG Guidelines, 2015. Collection method: clinical testing. Allele origin: germline.

NM_002880.4(RAF1):c.305_307del (p.Leu102del)

Gene: RAF1 (Raf-1 proto-oncogene, serine/threonine kinase; minus strand). Cytogenetic location: 3p25.2.
Variant type: Deletion.
Coding change: c.305_307del on transcript NM_002880.4 (MANE Select); coding-DNA positions 305 to 307, 3 bases deleted (TCC; older notation c.305_307delTCC).
Protein change: p.Leu102del; deletes leucine 102.
Molecular consequence: inframe deletion. On other transcripts: inframe indel (1), non-coding transcript variant (3), intron variant (4).
Genome position (GRCh38, 1-based): chr3:12,611,963-12,611,965, GGA deleted on the plus strand (TCC on the coding strand, the reverse complement: RAF1 is on the minus strand); deleting any 3 consecutive bases within chr3:12,611,963-12,611,966 gives the same sequence; the c. name uses the placement nearest the transcript's 3' end. VCF-style (leftmost placement, unchanged base first): chr3-12611962-TGGA-T. GRCh37 (hg19) VCF-style: chr3-12653461-TGGA-T.
Other names: c.305_307delTCC (NM_002880.3); c.305_307del, p.Leu102del (NM_001354689.3, NM_001354690.3, NM_001354693.3); c.78-2630_78-2628del (NM_001354695.3, NM_001354692.3, NM_001354694.3 and 1 more transcripts); short protein forms L102del.
Identifiers: ClinVar variation 1799262 (VCV001799262.4), dbSNP rs2470403303, ClinGen allele CA2580068463.